The following is an entry in ClinVar:

NM_007294.4(BRCA1):c.1626T>C (p.Asn542=)

Gene: BRCA1 (BRCA1 DNA repair associated; minus strand). Cytogenetic location: 17q21.31.
Variant type: single nucleotide variant.
Coding change: c.1626T>C on transcript NM_007294.4 (MANE Select); coding-DNA position 1626, T replaced by C.
Protein change: p.Asn542=; no amino-acid change (asparagine 542 retained).
Molecular consequence: synonymous variant. On other transcripts: intron variant (137).
Genome position (GRCh38, 1-based): chr17:43,093,905, A>G on the plus strand (T>C on the coding strand, the complement: BRCA1 is on the minus strand). VCF-style: chr17-43093905-A-G. GRCh37 (hg19) VCF-style: chr17-41245922-A-G.
Other names: c.1293T>C, p.Asn431= (NM_001407947.1, NM_001407948.1, NM_001407949.1 and 6 more transcripts); c.1290T>C, p.Asn430= (NM_001407954.1, NM_001407955.1, NM_001407956.1 and 1 more transcripts); c.1245T>C, p.Asn415= (NM_001407959.1, NM_001407960.1, NM_001407963.1); c.1242T>C, p.Asn414= (NM_001407962.1); c.1482T>C, p.Asn494= (NM_001407964.1, NM_001407943.1, NM_001407740.1 and 20 more transcripts); c.1122T>C, p.Asn374= (NM_001407965.1); c.738T>C, p.Asn246= (NM_001407966.1, NM_001407967.1); c.1485T>C, p.Asn495= (NM_007297.4, NM_001407944.1, NM_001407945.1 and 29 more transcripts); and 40 more.
Identifiers: ClinVar variation 3072433 (VCV003072433.2), dbSNP rs1281191417, ClinGen allele CA500233313.

ClinVar aggregate classification (germline): Likely benign. Review status: criteria provided, multiple submitters, no conflicts (2 of 4 stars). 2 submissions from 2 submitters: Likely benign (2). Last evaluated 2025-12-28.

Conditions:
Hereditary breast ovarian cancer syndrome. Also called: BRCA1- and BRCA2-Associated Hereditary Breast and Ovarian Cancer; Hereditary breast and ovarian cancer syndrome; Hereditary breast and ovarian cancer; Hereditary breast and ovarian cancer syndrome (HBOC); Breast and ovarian cancer; Hereditary breast and/or ovarian cancer syndrome. Identifiers: Orphanet 145, MedGen C0677776, MeSH D061325, MONDO:0003582. Disease mechanism: loss of function.
Breast-ovarian cancer, familial, susceptibility to, 1 (BROVCA1). Also called: BRCA1 Hereditary Breast and Ovarian Cancer; OVARIAN CANCER, SUSCEPTIBILITY TO. Identifiers: Orphanet 145, MedGen C2676676, MONDO:0011450, OMIM 604370. Disease mechanism: loss of function.

gnomAD v4.1: 1 of 1,613,926 alleles (0.000062%); highest among the groups gnomAD compares: Admixed American, 0.0017%; no homozygotes.

Submissions (2):

Labcorp Genetics (formerly Invitae), Labcorp
Classification: Likely benign for Hereditary breast ovarian cancer syndrome. Last evaluated: 2025-12-28. Review status: criteria provided, single submitter. Criteria: Invitae Variant Classification Sherloc (09022015). Collection method: clinical testing. Allele origin: germline.

All of Us Research Program, National Institutes of Health
Classification: Likely benign for Breast-ovarian cancer, familial, susceptibility to, 1. Last evaluated: 2023-07-10. Review status: criteria provided, single submitter. Criteria: ACMG Guidelines, 2015. Collection method: clinical testing. Allele origin: germline. Inheritance: Autosomal dominant inheritance. Observed: 1 variant allele, 1 heterozygote.
Comment: This study involves interpretation of variants in research participants for the purpose of population health screening. Participant phenotype was not available at the time of variant classification. Additional details can be found in publication PMID: 35346344, PMCID: PMC8962531